The following is an entry in ClinVar:

ClinVar aggregate classification (germline): Pathogenic (1 of 4 stars; one submission).

Conditions:
Neurofibromatosis, type 1 (NF1). Also called: Peripheral type neurofibromatosis; NEUROFIBROMATOSIS, TYPE I, SOMATIC; Neurofibromatosis, type I; VON RECKLINGHAUSEN DISEASE. Identifiers: Orphanet 636, MedGen C0027831, MONDO:0018975, OMIM 162200. Disease mechanism: loss of function.

Submission:

Labcorp Genetics (formerly Invitae), Labcorp
Classification: Pathogenic for Neurofibromatosis, type 1. Last evaluated: 2023-11-02. Review status: criteria provided, single submitter. Criteria: Invitae Variant Classification Sherloc (09022015). Collection method: clinical testing. Allele origin: germline.
Comment: This sequence change creates a premature translational stop signal (p.Ser1118Lysfs*23) in the NF1 gene. It is expected to result in an absent or disrupted protein product. Loss-of-function variants in NF1 are known to be pathogenic (PMID: 10712197, 23913538). This variant is not present in population databases (gnomAD no frequency). This variant has not been reported in the literature in individuals affected with NF1-related conditions. For these reasons, this variant has been classified as Pathogenic.

Literature cited by the submitters: PubMed 10712197; PubMed 23913538.

NM_001042492.3(NF1):c.3353_3356del (p.Ser1118fs)

Gene: NF1 (neurofibromin 1; plus strand). Cytogenetic location: 17q11.2.
Variant type: Deletion.
Coding change: c.3353_3356del on transcript NM_001042492.3 (MANE Select); coding-DNA positions 3353 to 3356, 4 bases deleted (GTGA; older notation c.3353_3356delGTGA).
Protein change: p.Ser1118fs; shifts the reading frame from serine 1118.
Molecular consequence: frameshift variant.
Genome position (GRCh38, 1-based): chr17:31,232,738-31,232,741, GTGA deleted; deleting any 4 consecutive bases within chr17:31,232,737-31,232,741 gives the same sequence; the c. name uses the placement nearest the transcript's 3' end. VCF-style (leftmost placement, unchanged base first): chr17-31232736-CAGTG-C. GRCh37 (hg19) VCF-style: chr17-29559754-CAGTG-C.
Other names: c.3353_3356delGTGA, p.Ser1118Lysfs (NM_000267.4); short protein forms S1118fs.
Identifiers: ClinVar variation 2692716 (VCV002692716.3), dbSNP rs2508230893, ClinGen allele CA2697559788.
Genomic context (GRCh38, chr17:31,232,736, plus strand): 5'-AAGGTCAGTCTTTTTATTTCTCAGATACTTCACATTATTTATGAACCTTTTGAATGACTG[CAGTG>C]AAGTTGAAGATGAAAGTGCGCAAACAGGTGGCAGGAAACGTGGCATGTCTCGGAGGCTGG-3'